The following is an entry in ClinVar:

NM_000038.6(APC):c.3632T>G (p.Met1211Arg)

Gene: APC (APC regulator of Wnt signaling pathway; plus strand). Cytogenetic location: 5q22.2.
Variant type: single nucleotide variant.
Coding change: c.3632T>G on transcript NM_000038.6 (MANE Select); coding-DNA position 3632, T replaced by G.
Protein change: p.Met1211Arg; replaces methionine 1211 with arginine.
Molecular consequence: missense variant.
Genome position (GRCh38, 1-based): chr5:112,839,226, T>G. VCF-style: chr5-112839226-T-G. GRCh37 (hg19) VCF-style: chr5-112174923-T-G.
Other names: c.3632T>G, p.Met1211Arg (NM_001127510.3, NM_001354895.2); c.3578T>G, p.Met1193Arg (NM_001127511.3); c.3686T>G, p.Met1229Arg (NM_001354896.2); c.3662T>G, p.Met1221Arg (NM_001354897.2); c.3557T>G, p.Met1186Arg (NM_001354898.2); c.3548T>G, p.Met1183Arg (NM_001354899.2); c.3509T>G, p.Met1170Arg (NM_001354900.2); c.3455T>G, p.Met1152Arg (NM_001354901.2); and 5 more; short protein forms M1193R, M1211R, M1085R, M928R, M1229R, M1051R, M1152R, M1186R.
Identifiers: ClinVar variation 133538 (VCV000133538.31), dbSNP rs575268622, ClinGen allele CA008588.

ClinVar aggregate classification (germline): Benign/Likely benign. Review status: criteria provided, multiple submitters, no conflicts (2 of 4 stars). 13 submissions from 13 submitters: Benign (1); Likely benign (8). 4 of the submissions do not count toward it. Last evaluated 2026-02-01.

Conditions:
Familial adenomatous polyposis 1 (FAP1). Also called: FAMILIAL ADENOMATOUS POLYPOSIS 1, ATTENUATED; POLYPOSIS, ADENOMATOUS INTESTINAL. Identifiers: MedGen C2713442, MONDO:0021056, OMIM 175100. Disease mechanism: loss of function.
Classic or attenuated familial adenomatous polyposis. Identifiers: MedGen CN372698, MONDO:0021057.
APC-related disorder. Also called: APC-related condition.
Hereditary cancer-predisposing syndrome. Also called: Tumor predisposition; Hereditary neoplastic syndrome; Neoplastic Syndromes, Hereditary; Hereditary Cancer Syndrome. Identifiers: Orphanet 140162, MedGen C0027672, MeSH D009386, MONDO:0015356.

Allele frequency attached by ClinVar (database versions not stated): gnomAD 0.00006; 1000 Genomes Project 30x 0.00031; 1000 Genomes Project 0.00040.

Submissions (13):

Labcorp Genetics (formerly Invitae), Labcorp
Classification: Likely benign for Familial adenomatous polyposis 1. Last evaluated: 2026-02-01. Review status: criteria provided, single submitter. Criteria: Invitae Variant Classification Sherloc (09022015). Collection method: clinical testing. Allele origin: germline.

All of Us Research Program, National Institutes of Health
Classification: Likely benign for Classic or attenuated familial adenomatous polyposis. Last evaluated: 2024-07-29. Review status: criteria provided, single submitter. Criteria: ACMG Guidelines, 2015. Collection method: clinical testing. Allele origin: germline. Inheritance: Autosomal dominant inheritance. Observed: 9 variant alleles, 9 heterozygotes.
Comment: This study involves interpretation of variants in research participants for the purpose of population health screening. Participant phenotype was not available at the time of variant classification. Additional details can be found in publication PMID: 35346344, PMCID: PMC8962531

Quest Diagnostics Nichols Institute San Juan Capistrano
Classification: Benign. Last evaluated: 2024-03-27. Review status: criteria provided, single submitter. Criteria: Quest Diagnostics criteria. Collection method: clinical testing. Allele origin: unknown.

Myriad Genetics, Inc.
Classification: Likely benign for Familial adenomatous polyposis 1. Last evaluated: 2023-02-21. Review status: criteria provided, single submitter. Criteria: Myriad Autosomal Dominant, Autosomal Recessive and X-Linked Classification Criteria (2023). Collection method: clinical testing. Allele origin: unknown.
Comment: This variant is considered likely benign. This variant has been observed at a population frequency that is significantly greater than expected given the associated disease prevalence and penetrance.

GeneDx
Classification: Likely benign. Last evaluated: 2021-09-20. Review status: criteria provided, single submitter. Criteria: GeneDx Variant Classification Process June 2021. Collection method: clinical testing. Allele origin: germline. Affected: yes.
Comment: This variant is associated with the following publications: (PMID: 30093976, 29641532, 25186627, 24728327)

Sema4
Classification: Likely benign for Hereditary cancer-predisposing syndrome. Last evaluated: 2021-09-09. Review status: criteria provided, single submitter. Criteria: Sema4 Curation Guidelines. Collection method: curation. Allele origin: germline.

Women's Health and Genetics/Laboratory Corporation of America, LabCorp
Classification: Likely benign. Last evaluated: 2018-12-07. Review status: criteria provided, single submitter. Criteria: LabCorp Variant Classification Summary - May 2015. Collection method: clinical testing. Allele origin: germline.
Comment: Variant summary: The variant, APC c.3632T>G (p.Met1211Arg) results in a non-conservative amino acid change in the encoded protein sequence. Four of five in-silico tools predict a benign effect of the variant on protein function. The variant allele was found at a frequency of 0.00025 in 276326 control chromosomes, predominantly at a frequency of 0.0022 within the South Asian subpopulation in the gnomAD database. The observed variant frequency within South Asian control individuals in the gnomAD database is approximately 30.8 fold of the estimated maximal expected allele frequency for a pathogenic variant in APC causing Familial Adenomatous Polyposis phenotype (7.1e-05), strongly suggesting that the variant is a benign polymorphism found primarily in populations of South Asian origin. The variant, c.3632T>G has been reported in the literature in individuals affected with breast and colorectal cancer (Chakrabarty_2017, Tung_2015, Chakrabarty _2017). This report does not provide unequivocal conclusions about association of the variant with Familial Adenomatous Polyposis. To our knowledge, no experimental evidence demonstrating an impact on protein function has been reported. Five clinical diagnostic laboratories have submitted clinical-significance assessments for this variant to ClinVar after 2014 without evidence for independent evaluation. Multiple laboratories reported the variant with conflicting assessments (likely benign (2X) and uncertain significance (3X)). Based on the evidence outlined above, the variant was classified as likely benign.

Ambry Genetics
Classification: Likely benign for Hereditary cancer-predisposing syndrome. Last evaluated: 2018-09-26. Review status: criteria provided, single submitter. Criteria: Ambry Variant Classification Scheme 2023. Collection method: clinical testing. Allele origin: germline.

Color Diagnostics, LLC DBA Color Health
Classification: Likely benign for Hereditary cancer-predisposing syndrome. Last evaluated: 2016-06-19. Review status: criteria provided, single submitter. Criteria: ACMG Guidelines, 2015. Collection method: clinical testing. Allele origin: germline.

PreventionGenetics, part of Exact Sciences
Classification: Likely benign for APC-related condition. Last evaluated: 2020-02-04. Review status: no assertion criteria provided. Collection method: clinical testing. Allele origin: germline. Not counted in ClinVar's aggregate classification.
Comment: This variant is classified as likely benign based on ACMG/AMP sequence variant interpretation guidelines (Richards et al. 2015 PMID: 25741868, with internal and published modifications).

Counsyl
Classification: Uncertain significance for Familial adenomatous polyposis 1. Last evaluated: 2017-02-07. Review status: no assertion criteria provided. Collection method: clinical testing. Allele origin: unknown. Not counted in ClinVar's aggregate classification.

ITMI
No classification provided. Condition: AllHighlyPenetrant. Last evaluated: 2013-09-19. Review status: no classification provided. Collection method: reference population. Allele origin: germline. Not counted in ClinVar's aggregate classification.
Comment: Please see associated publication for description of ethnicities

Department of Pathology and Laboratory Medicine, Sinai Health System
Classification: Uncertain significance for Familial adenomatous polyposis 1. Review status: no assertion criteria provided. Collection method: clinical testing. Allele origin: unknown. Affected: yes. Observed: 1 variant allele. Study: The Canadian Open Genetics Repository (COGR). Not counted in ClinVar's aggregate classification.
Comment: The APC p.Met1211Arg variant was not identified in the literature nor was it identified in dbSNP, NHLBI Exome Sequencing Project (Exome Variant Server), HGMD, COSMIC, MutDB, â€šÃ„ÃºInSiGHT Colon Cancer Databaseâ€šÃ„Ã¹, â€šÃ„ÃºZhejiang Colon Cancer Databaseâ€šÃ„Ã¹, and UMD. The variant was submitted to the Clinvar database 1X by multiple submitters (INVITAE as uncertain significance, and ITMI, classification not provided). The p.Met1211 residue is not conserved in mammals and lower organisms, increasing the likelihood that this variant does not have clinical significance. Computational analyses (PolyPhen-2, SIFT, AlignGVGD, BLOSUM, MutationTaster) provide inconsistent predictions regarding the impact to the protein and this information is not very predictive of pathogenicity. In summary, based on the above information, the clinical significance of this variant cannot be determined with certainty at this time. This variant is classified as a variant of unknown significance.

Literature cited by the submitters: PubMed 24728327 (cited by 4 submitters); PubMed 25186627 (cited by 3 submitters); PubMed 28524162 (cited by Quest Diagnostics Nichols Institute San Juan Capistrano and Women's Health and Genetics/Laboratory Corporation of America, LabCorp); PubMed 30093976 (cited by Quest Diagnostics Nichols Institute San Juan Capistrano and Women's Health and Genetics/Laboratory Corporation of America, LabCorp).